The following is an entry in ClinVar:

NM_020461.4(TUBGCP6):c.1695dup (p.Lys566Ter)

Gene: TUBGCP6 (tubulin gamma complex component 6; minus strand). Cytogenetic location: 22q13.33.
Variant type: Duplication.
Coding change: c.1695dup on transcript NM_020461.4 (MANE Select); coding-DNA position 1695, one base duplicated (T; older notation c.1695dupT).
Protein change: p.Lys566Ter; replaces lysine 566 with a stop codon.
Molecular consequence: nonsense.
Genome position (GRCh38, 1-based): chr22:50,226,188, A duplicated on the plus strand (T on the coding strand, the reverse complement: TUBGCP6 is on the minus strand). VCF-style (leftmost placement, unchanged base first): chr22-50226187-T-TA. GRCh37 (hg19) VCF-style: chr22-50664616-T-TA.
Other names: short protein forms K566*.
Identifiers: ClinVar variation 2164569 (VCV002164569.5), dbSNP rs770606127, ClinGen allele CA10308536.
Genomic context (GRCh38, chr22:50,226,187, plus strand): 5'-CGGGAACACAGTCCTCCACCTCTTTGGAGATGAGCACGTAGCCATGTGTCCAGTACAACT[T>TA]ATCTAAGGTAGGGTGAACACCACGGTGGCCGGCATGGCCATGGCCCTGAACCCAGGCCCA-3'

ClinVar aggregate classification (germline): Pathogenic/Likely pathogenic. Review status: criteria provided, multiple submitters, no conflicts (2 of 4 stars). 2 submissions from 2 submitters: Pathogenic (1); Likely pathogenic (1). Last evaluated 2023-09-06.

Conditions:
TUBGCP6-related disorder. Also called: TUBGCP6-related condition.

Allele frequency attached by ClinVar (database versions not stated): TOPMed below 0.00001; gnomAD exomes 0.00001; ExAC 0.00002.

Submissions (2):

Labcorp Genetics (formerly Invitae), Labcorp
Classification: Pathogenic. Last evaluated: 2023-09-06. Review status: criteria provided, single submitter. Criteria: Invitae Variant Classification Sherloc (09022015). Collection method: clinical testing. Allele origin: germline.
Comment: For these reasons, this variant has been classified as Pathogenic. ClinVar contains an entry for this variant (Variation ID: 2164569). This variant has not been reported in the literature in individuals affected with TUBGCP6-related conditions. This variant is present in population databases (rs770606127, gnomAD 0.01%). This sequence change creates a premature translational stop signal (p.Lys566*) in the TUBGCP6 gene. It is expected to result in an absent or disrupted protein product. Loss-of-function variants in TUBGCP6 are known to be pathogenic (PMID: 25344692).

Blueprint Genetics
Classification: Likely pathogenic for TUBGCP6-related disorders. Last evaluated: 2022-02-08. Review status: criteria provided, single submitter. Criteria: ACMG Guidelines, 2015. Collection method: clinical testing. Allele origin: germline. Affected: yes. Observed: 1 variant allele.

Literature cited by the submitters: PubMed 25344692 (cited by Labcorp Genetics (formerly Invitae), Labcorp).